The following is an entry in ClinVar:

NM_007294.3(BRCA1):c.5075-?_5277+?dup203

Gene: BRCA1 (BRCA1 DNA repair associated; minus strand). Cytogenetic location: 17q21.31.
Variant type: Duplication.
Coding change: c.5075-?_5277+?dup203 on transcript NM_007294.3.
Other names: c.5075-?_5277+?dup (LRG_292t1).
Identifiers: ClinVar variation 254074 (VCV000254074.3).

ClinVar aggregate classification (germline): Pathogenic/Likely pathogenic. Review status: criteria provided, multiple submitters, no conflicts (2 of 4 stars). 2 submissions from 2 submitters: Pathogenic (1); Likely pathogenic (1). Last evaluated 2016-12-13.

Conditions:
Hereditary breast ovarian cancer syndrome. Also called: Hereditary breast and ovarian cancer syndrome (HBOC); Breast and ovarian cancer; Hereditary breast and ovarian cancer syndrome; Hereditary breast and ovarian cancer; BRCA1- and BRCA2-Associated Hereditary Breast and Ovarian Cancer; Hereditary breast and/or ovarian cancer syndrome. Identifiers: Orphanet 145, MedGen C0677776, MeSH D061325, MONDO:0003582. Disease mechanism: loss of function.
Breast-ovarian cancer, familial, susceptibility to, 1 (BROVCA1). Also called: BRCA1 Hereditary Breast and Ovarian Cancer; OVARIAN CANCER, SUSCEPTIBILITY TO. Identifiers: Orphanet 145, MedGen C2676676, MONDO:0011450, OMIM 604370. Disease mechanism: loss of function.

Submissions (2):

Labcorp Genetics (formerly Invitae), Labcorp
Classification: Likely pathogenic for Hereditary breast ovarian cancer syndrome. Last evaluated: 2016-12-13. Review status: criteria provided, single submitter. Criteria: Invitae Variant Classification Sherloc (09022015). Collection method: clinical testing. Allele origin: germline.
Comment: This variant is a gross duplication of the genomic region encompassing exons 17-19 of the BRCA1 gene. While the exact position of the duplicated exons cannot be determined from this data, the duplicated copy of this region is likely in tandem and may result in an absent or disrupted protein product. Loss-of-function variants in BRCA1 are known to be pathogenic. Similar duplications have been reported in two families undergoing testing for hereditary breast and/or ovarian cancer (PMID: 18330910, 12203994). This region is also known as exons 18-20 in the literature. In summary, sub-genic duplications are generally in tandem (PMID: 25640679), and result in an absent or disrupted protein. However, the exact location of this duplication has not been confirmed. Therefore, it has been classified as Likely Pathogenic.

Consortium of Investigators of Modifiers of BRCA1/2 (CIMBA), c/o University of Cambridge
Classification: Pathogenic for Breast-ovarian cancer, familial, susceptibility to, 1. Last evaluated: 2015-10-02. Review status: criteria provided, single submitter. Criteria: CIMBA Mutation Classification guidelines May 2016. Collection method: clinical testing. Allele origin: germline.